The following is an entry in ClinVar:

NM_130839.5(UBE3A):c.1305T>A (p.Asp435Glu)

Genes: SNHG14 (small nucleolar RNA host gene 14; plus strand), UBE3A (ubiquitin protein ligase E3A; minus strand). Cytogenetic location: 15q11.2.
Variant type: single nucleotide variant.
Coding change: c.1305T>A on transcript NM_130839.5 (MANE Select); coding-DNA position 1305, T replaced by A.
Protein change: p.Asp435Glu; replaces aspartic acid 435 with glutamic acid.
Molecular consequence: missense variant. On other transcripts: non-coding transcript variant (1), intron variant (2).
Genome position (GRCh38, 1-based): chr15:25,370,869, A>T on the plus strand (T>A on the coding strand, the complement: UBE3A is on the minus strand). VCF-style: chr15-25370869-A-T. GRCh37 (hg19) VCF-style: chr15-25616016-A-T.
Other names: p.D435E:GAT>GAA; c.1314T>A, p.Asp438Glu (NM_000462.5); c.1305T>A, p.Asp435Glu (NM_001354505.1, NM_001354538.2, NM_001354545.2); c.1245T>A, p.Asp415Glu (NM_001354506.2, NM_001354507.2, NM_001354508.2 and 17 more transcripts); c.1128T>A, p.Asp376Glu (NM_001354546.2); c.301+4596T>A (NM_001354551.2); c.361+4596T>A (NM_001354550.2); short protein forms D415E, D435E, D376E, D438E.
Identifiers: ClinVar variation 156625 (VCV000156625.2), dbSNP rs587783102, ClinGen allele CA294650.

ClinVar aggregate classification (germline): Uncertain significance. Review status: criteria provided, multiple submitters, no conflicts (2 of 4 stars). 2 submissions from 2 submitters: Uncertain significance (2). Last evaluated 2025-06-26.

Conditions:
Angelman syndrome (AS). Also called: HAPPY PUPPET SYNDROME. Identifiers: Orphanet 72, MedGen C0162635, MONDO:0007113, OMIM 105830. Disease mechanism: loss of function. Inheritance: AS is caused by disruption of maternally imprinted UBE3A located within the 15q11.2-q13 Angelman syndrome/Prader-Willi syndrome (AS/PWS) region., imprinting disorder.

Allele frequency attached by ClinVar (database versions not stated): ExAC 0.00001; gnomAD exomes 0.00001.
gnomAD v4.1: 1 of 1,614,104 alleles (0.000062%); highest among the groups gnomAD compares: East Asian, 0.0022%; no homozygotes.

Submissions (2):

Labcorp Genetics (formerly Invitae), Labcorp
Classification: Uncertain significance for Angelman syndrome. Last evaluated: 2025-06-26. Review status: criteria provided, single submitter. Criteria: Invitae Variant Classification Sherloc (09022015). Collection method: clinical testing. Allele origin: germline.
Comment: This sequence change replaces aspartic acid, which is acidic and polar, with glutamic acid, which is acidic and polar, at codon 415 of the UBE3A protein (p.Asp415Glu). This variant is present in population databases (rs587783102, gnomAD 0.01%). This variant has not been reported in the literature in individuals affected with UBE3A-related conditions. ClinVar contains an entry for this variant (Variation ID: 156625). Invitae Evidence Modeling of protein sequence and biophysical properties (such as structural, functional, and spatial information, amino acid conservation, physicochemical variation, residue mobility, and thermodynamic stability) has been performed for this missense variant. However, the output from this modeling did not meet the statistical confidence thresholds required to predict the impact of this variant on UBE3A protein function. Experimental studies are conflicting or provide insufficient evidence to determine the effect of this variant on UBE3A function (PMID: 34815418). In summary, the available evidence is currently insufficient to determine the role of this variant in disease. Therefore, it has been classified as a Variant of Uncertain Significance.

GeneDx
Classification: Uncertain significance. Last evaluated: 2014-09-12. Review status: criteria provided, single submitter. Criteria: GeneDx Variant Classification (06012015). Collection method: clinical testing. Allele origin: germline. Affected: yes.
Comment: The D435E variant has not been published as a mutation, nor has it been reported as a benign polymorphism to our knowledge. It was not observed in approximately 6,500 individuals of European and African American ancestry in the NHLBI Exome Sequencing Project, indicating it is not a common benign variant in these populations. The D435E variant is a conservative amino acid substitution, which is not likely to impact secondary protein structure as these residues share similar properties. However, this substitution occurs at a position that is conserved across most mammalian species. Additionally, in silico analysis predicts this variant is probably damaging to the protein structure/function. Therefore, based on the currently available information, it is unclear whether this variant is a pathogenic mutation or a rare benign variant. The variant is found in INFANT-EPI panel(s).

Literature cited by the submitters: PubMed 34815418 (cited by Labcorp Genetics (formerly Invitae), Labcorp).